The following is an entry in ClinVar:

NM_020937.4(FANCM):c.5182G>T (p.Ala1728Ser)

Gene: FANCM (FA complementation group M; plus strand). Cytogenetic location: 14q21.2.
Variant type: single nucleotide variant.
Coding change: c.5182G>T on transcript NM_020937.4 (MANE Select); coding-DNA position 5182, G replaced by T.
Protein change: p.Ala1728Ser; replaces alanine 1728 with serine.
Molecular consequence: missense variant.
Genome position (GRCh38, 1-based): chr14:45,189,204, G>T. VCF-style: chr14-45189204-G-T. GRCh37 (hg19) VCF-style: chr14-45658407-G-T.
Other names: c.5104G>T, p.Ala1702Ser (NM_001308133.2); short protein forms A1728S, A1702S.
Identifiers: ClinVar variation 3848712 (VCV003848712.1).

ClinVar aggregate classification (germline): Uncertain significance (1 of 4 stars; one submission).

Conditions:
Inborn genetic diseases. Identifiers: MedGen C0950123, MeSH D030342.

gnomAD v4.1: 2 of 1,614,148 alleles (0.00012%); highest among the groups gnomAD compares: African/African-American, 0.0013%; no homozygotes.

Submission:

Ambry Genetics
Classification: Uncertain significance for Inborn genetic diseases. Last evaluated: 2025-02-08. Review status: criteria provided, single submitter. Criteria: Ambry Variant Classification Scheme 2023. Collection method: clinical testing. Allele origin: germline.
Comment: The p.A1728S variant (also known as c.5182G>T), located in coding exon 20 of the FANCM gene, results from a G to T substitution at nucleotide position 5182. The alanine at codon 1728 is replaced by serine, an amino acid with similar properties. This amino acid position is conserved. In addition, this alteration is predicted to be tolerated by in silico analysis. Based on the available evidence, the clinical significance of this variant remains unclear.